The following is an entry in ClinVar:

NM_001035.3(RYR2):c.13423G>A (p.Val4475Met)

Gene: RYR2 (ryanodine receptor 2; plus strand). Cytogenetic location: 1q43.
Variant type: single nucleotide variant.
Coding change: c.13423G>A on transcript NM_001035.3 (MANE Select); coding-DNA position 13423, G replaced by A.
Protein change: p.Val4475Met; replaces valine 4475 with methionine.
Molecular consequence: missense variant.
Genome position (GRCh38, 1-based): chr1:237,788,082, G>A. VCF-style: chr1-237788082-G-A. GRCh37 (hg19) VCF-style: chr1-237951382-G-A.
Other names: c.13423G>A (NM_001035.2); short protein forms V4475M.
Identifiers: ClinVar variation 923508 (VCV000923508.15), dbSNP rs1275899087, ClinGen allele CA345416560.

ClinVar aggregate classification (germline): Uncertain significance. Review status: criteria provided, multiple submitters, no conflicts (2 of 4 stars). 4 submissions from 4 submitters: Uncertain significance (4). Last evaluated 2026-04-14.

Conditions:
Catecholaminergic polymorphic ventricular tachycardia (CVPT). Also called: Catecholamine-induced polymorphic ventricular tachycardia. Identifiers: Orphanet 3286, MedGen C5574922, MONDO:0017990.
Cardiomyopathy (CMYO). Also called: Cardiomyopathies. Identifiers: Orphanet 167848, MedGen C0878544, MONDO:0004994, HP:0001638. Inheritance: Various modes of inheritance.
Cardiovascular phenotype. Identifiers: MedGen CN230736.
Catecholaminergic polymorphic ventricular tachycardia 1. Also called: VENTRICULAR TACHYCARDIA, STRESS-INDUCED POLYMORPHIC 1; VENTRICULAR TACHYCARDIA, CATECHOLAMINERGIC POLYMORPHIC, 1, WITH OR WITHOUT ATRIAL DYSFUNCTION AND/OR DILATED CARDIOMYOPATHY; RYR2-Related Catecholaminergic Polymorphic Ventricular Tachycardia. Identifiers: Orphanet 3286, MedGen C1631597, MONDO:0011484, OMIM 604772.

Allele frequency attached by ClinVar (database versions not stated): gnomAD 0.00001; TOPMed 0.00001; gnomAD exomes 0.00002 and below 0.00001.
gnomAD v4.1: 32 of 1,612,382 alleles (0.002%); highest among the groups gnomAD compares: Non-Finnish European, 0.0023%; no homozygotes.

Submissions (4):

Ambry Genetics
Classification: Uncertain significance for Cardiovascular phenotype. Last evaluated: 2026-04-14. Review status: criteria provided, single submitter. Criteria: Ambry Variant Classification Scheme 2023. Collection method: clinical testing. Allele origin: germline.
Comment: The p.V4475M variant (also known as c.13423G>A), located in coding exon 92 of the RYR2 gene, results from a G to A substitution at nucleotide position 13423. The valine at codon 4475 is replaced by methionine, an amino acid with highly similar properties. This amino acid position is conserved. In addition, this alteration is predicted to be tolerated by in silico analysis. Based on the available evidence, the clinical significance of this variant remains unclear.

Labcorp Genetics (formerly Invitae), Labcorp
Classification: Uncertain significance for Catecholaminergic polymorphic ventricular tachycardia 1. Last evaluated: 2026-01-20. Review status: criteria provided, single submitter. Criteria: Invitae Variant Classification Sherloc (09022015). Collection method: clinical testing. Allele origin: germline.
Comment: This sequence change replaces valine, which is neutral and non-polar, with methionine, which is neutral and non-polar, at codon 4475 of the RYR2 protein (p.Val4475Met). The frequency data for this variant in the population databases is considered unreliable, as metrics indicate poor data quality at this position in the gnomAD database. This variant has not been reported in the literature in individuals affected with RYR2-related conditions. ClinVar contains an entry for this variant (Variation ID: 923508). Invitae Evidence Modeling of protein sequence and biophysical properties (such as structural, functional, and spatial information, amino acid conservation, physicochemical variation, residue mobility, and thermodynamic stability) indicates that this missense variant is not expected to disrupt RYR2 protein function with a negative predictive value of 95%. In summary, the available evidence is currently insufficient to determine the role of this variant in disease. Therefore, it has been classified as a Variant of Uncertain Significance.

All of Us Research Program, National Institutes of Health
Classification: Uncertain significance for Catecholaminergic polymorphic ventricular tachycardia. Last evaluated: 2024-08-30. Review status: criteria provided, single submitter. Criteria: ACMG Guidelines, 2015. Collection method: clinical testing. Allele origin: germline. Inheritance: Autosomal dominant inheritance. Observed: 3 variant alleles, 3 heterozygotes.
Comment: This missense variant replaces valine with methionine at codon 4475 of the RYR2 protein. Computational prediction suggests that this variant may not impact protein structure and function (internally defined REVEL score threshold <= 0.5, PMID: 27666373). Splice site prediction tools suggest that this variant may not impact RNA splicing. To our knowledge, functional studies have not been performed for this variant. This variant has not been reported in individuals affected with cardiovascular disorders in the literature. This variant has been identified in 2/278126 chromosomes in the general population by the Genome Aggregation Database (gnomAD). The available evidence is insufficient to determine the role of this variant in disease conclusively. Therefore, this variant is classified as a Variant of Uncertain Significance.

This study involves interpretation of variants in research participants for the purpose of population health screening. Participant phenotype was not available at the time of variant classification. Additional details can be found in publication PMID: 35346344, PMCID: PMC8962531

Color Diagnostics, LLC DBA Color Health
Classification: Uncertain significance for Cardiomyopathy. Last evaluated: 2024-03-06. Review status: criteria provided, single submitter. Criteria: ACMG Guidelines, 2015. Collection method: clinical testing. Allele origin: germline.
Comment: This missense variant replaces valine with methionine at codon 4475 of the RYR2 protein. Computational prediction suggests that this variant may not impact protein structure and function (internally defined REVEL score threshold <= 0.5, PMID: 27666373). Splice site prediction tools suggest that this variant may not impact RNA splicing. To our knowledge, functional studies have not been performed for this variant. This variant has not been reported in individuals affected with cardiovascular disorders in the literature. This variant has been identified in 2/278126 chromosomes in the general population by the Genome Aggregation Database (gnomAD). The available evidence is insufficient to determine the role of this variant in disease conclusively. Therefore, this variant is classified as a Variant of Uncertain Significance.